The following is an entry in ClinVar:

NM_004304.5(ALK):c.2653G>T (p.Asp885Tyr)

Gene: ALK (ALK receptor tyrosine kinase; minus strand). Cytogenetic location: 2p23.2.
Variant type: single nucleotide variant.
Coding change: c.2653G>T on transcript NM_004304.5 (MANE Select); coding-DNA position 2653, G replaced by T.
Protein change: p.Asp885Tyr; replaces aspartic acid 885 with tyrosine.
Molecular consequence: missense variant.
Genome position (GRCh38, 1-based): chr2:29,229,046, C>A on the plus strand (G>T on the coding strand, the complement: ALK is on the minus strand). VCF-style: chr2-29229046-C-A. GRCh37 (hg19) VCF-style: chr2-29451912-C-A.
Other names: short protein forms D885Y.
Identifiers: ClinVar variation 2862754 (VCV002862754.3), dbSNP rs925802421, ClinGen allele CA346470059.

ClinVar aggregate classification (germline): Uncertain significance (1 of 4 stars; one submission).

Conditions:
Neuroblastoma, susceptibility to, 3. Also called: ALK-Related Neuroblastic Tumor Susceptibility. Identifiers: Orphanet 635, MedGen C2751681, MONDO:0013083, OMIM 613014.

Submission:

Labcorp Genetics (formerly Invitae), Labcorp
Classification: Uncertain significance for Neuroblastoma, susceptibility to, 3. Last evaluated: 2023-07-19. Review status: criteria provided, single submitter. Criteria: Invitae Variant Classification Sherloc (09022015). Collection method: clinical testing. Allele origin: germline.
Comment: In summary, the available evidence is currently insufficient to determine the role of this variant in disease. Therefore, it has been classified as a Variant of Uncertain Significance. An algorithm developed to predict the effect of missense changes on protein structure and function (PolyPhen-2) suggests that this variant is likely to be disruptive. This variant has not been reported in the literature in individuals affected with ALK-related conditions. This variant is not present in population databases (gnomAD no frequency). This sequence change replaces aspartic acid, which is acidic and polar, with tyrosine, which is neutral and polar, at codon 885 of the ALK protein (p.Asp885Tyr).